The following is an entry in ClinVar:

NM_019066.5(MAGEL2):c.653C>A (p.Pro218Gln)

Gene: MAGEL2 (MAGE family member L2; minus strand). Cytogenetic location: 15q11.2.
Variant type: single nucleotide variant.
Coding change: c.653C>A on transcript NM_019066.5 (MANE Select); coding-DNA position 653, C replaced by A.
Protein change: p.Pro218Gln; replaces proline 218 with glutamine.
Molecular consequence: missense variant.
Genome position (GRCh38, 1-based): chr15:23,647,090, G>T on the plus strand (C>A on the coding strand, the complement: MAGEL2 is on the minus strand). VCF-style: chr15-23647090-G-T. GRCh37 (hg19) VCF-style: chr15-23892237-G-T.
Other names: short protein forms P218Q.
Identifiers: ClinVar variation 4979446 (VCV004979446.1).

ClinVar aggregate classification (germline): Uncertain significance (1 of 4 stars; one submission).

Conditions:
MAGEL2-related disorder. Also called: MAGEL2-related condition.

Submission:

PreventionGenetics, part of Exact Sciences
Classification: Uncertain significance for MAGEL2-related condition. Last evaluated: 2026-01-07. Review status: criteria provided, single submitter. Criteria: ACMG Guidelines, 2015. Collection method: clinical testing. Allele origin: germline.
Comment: The MAGEL2 c.653C>A variant is predicted to result in the amino acid substitution p.Pro218Gln. To our knowledge, this variant has not been reported in the literature. This variant is reported in 0.013% of alleles in individuals of African descent in gnomAD. At this time, the clinical significance of this variant is uncertain due to the absence of conclusive functional and genetic evidence.